The following is an entry in ClinVar:

NM_020320.5(RARS2):c.42del (p.Arg15fs)

Gene: RARS2 (arginyl-tRNA synthetase 2, mitochondrial; minus strand). Cytogenetic location: 6q15.
Variant type: Deletion.
Coding change: c.42del on transcript NM_020320.5 (MANE Select); coding-DNA position 42, one base deleted (C; older notation c.42delC).
Protein change: p.Arg15fs; shifts the reading frame from arginine 15.
Molecular consequence: frameshift variant. On other transcripts: 5 prime UTR variant (6), non-coding transcript variant (21), intron variant (1).
Genome position (GRCh38, 1-based): chr6:87,569,585, G deleted on the plus strand (C on the coding strand, the reverse complement: RARS2 is on the minus strand); the first of 2 consecutive G bases (chr6:87,569,585-87,569,586); deleting either gives the same sequence. VCF-style (leftmost placement, unchanged base first): chr6-87569584-TG-T. GRCh37 (hg19) VCF-style: chr6-88279302-TG-T.
Other names: c.42delC (NM_020320.4); c.42del (NM_020320.3); c.-428del (NM_001318785.2); c.42del, p.Arg15fs (NM_001350505.2); c.-484del (NM_001350506.2, NM_001350507.2, NM_001350510.2); c.-646del (NM_001350508.2); c.-603del (NM_001350511.2); c.-359-5353del (NM_001350509.2); short protein forms R15fs.
Identifiers: ClinVar variation 430500 (VCV000430500.17), dbSNP rs777942571, ClinGen allele CA3916796.

ClinVar aggregate classification (germline): Pathogenic/Likely pathogenic. Review status: criteria provided, multiple submitters, no conflicts (2 of 4 stars). 6 submissions from 6 submitters: Pathogenic (2); Likely pathogenic (4). Last evaluated 2025-11-12.

Conditions:
Pontocerebellar hypoplasia type 6 (PCH6). Identifiers: Orphanet 166073, MedGen C1969084, MONDO:0012683, OMIM 611523.
Mitochondrial disease. Also called: Mitochondrial disorder; Mitochondrial disorders. Identifiers: Orphanet 68380, MedGen C0751651, MeSH D028361, MONDO:0044970.

Submissions (6):

Natera, Inc.
Classification: Likely pathogenic for Pontocerebellar hypoplasia, type 6. Last evaluated: 2025-11-12. Review status: criteria provided, single submitter. Criteria: Natera Variant Classification Schema (03/2026). Collection method: clinical testing. Allele origin: germline.
Comment: The c.42delC variant in RARS2 is a frameshift variant predicted to shift the reading frame beginning at codon 15 and leads to a stop codon 3 codons downstream. This variant is expected to result in nonsense mediated decay, truncation, or a dysfunctional protein product. This variant is rare in the general population with a frequency below the threshold expected for the associated phenotype(s). Given the available evidence, this variant is classified as Likely Pathogenic.

Labcorp Genetics (formerly Invitae), Labcorp
Classification: Pathogenic. Last evaluated: 2024-02-17. Review status: criteria provided, single submitter. Criteria: Invitae Variant Classification Sherloc (09022015). Collection method: clinical testing. Allele origin: germline.
Comment: This sequence change creates a premature translational stop signal (p.Arg15Glufs*3) in the RARS2 gene. It is expected to result in an absent or disrupted protein product. Loss-of-function variants in RARS2 are known to be pathogenic (PMID: 17847012, 22569581, 26083569). This variant is present in population databases (rs777942571, gnomAD 0.002%). This variant has not been reported in the literature in individuals affected with RARS2-related conditions. ClinVar contains an entry for this variant (Variation ID: 430500). For these reasons, this variant has been classified as Pathogenic.

Baylor Genetics
Classification: Likely pathogenic for Pontocerebellar hypoplasia type 6. Last evaluated: 2024-01-16. Review status: criteria provided, single submitter. Criteria: ACMG Guidelines, 2015. Collection method: clinical testing. Allele origin: unknown.

Fulgent Genetics
Classification: Pathogenic for Pontocerebellar hypoplasia type 6. Last evaluated: 2022-03-01. Review status: criteria provided, single submitter. Criteria: ACMG Guidelines, 2015. Collection method: clinical testing. Allele origin: unknown.

Department of Pathology and Laboratory Medicine, Sinai Health System
Classification: Likely pathogenic for mitochondrial disease. Last evaluated: 2022-01-10. Review status: criteria provided, single submitter. Criteria: ACMG Guidelines, 2015. Collection method: research. Allele origin: germline.

GeneDx
Classification: Likely pathogenic. Last evaluated: 2021-12-11. Review status: criteria provided, single submitter. Criteria: GeneDx Variant Classification Process June 2021. Collection method: clinical testing. Allele origin: germline. Affected: yes.
Comment: Frameshift variant predicted to result in protein truncation or nonsense mediated decay in a gene for which loss-of-function is a known mechanism of disease; Not observed at a significant frequency in large population cohorts (Lek et al., 2016); Has not been previously published as pathogenic or benign to our knowledge

Literature cited by the submitters: PubMed 17847012 (cited by Labcorp Genetics (formerly Invitae), Labcorp); PubMed 22569581 (cited by Labcorp Genetics (formerly Invitae), Labcorp); PubMed 26083569 (cited by Labcorp Genetics (formerly Invitae), Labcorp).